The following is an entry in ClinVar:

NM_052947.4(ALPK2):c.2429G>A (p.Gly810Asp)

Gene: ALPK2 (alpha kinase 2; minus strand). Cytogenetic location: 18q21.31.
Variant type: single nucleotide variant.
Coding change: c.2429G>A on transcript NM_052947.4 (MANE Select); coding-DNA position 2429, G replaced by A.
Protein change: p.Gly810Asp; replaces glycine 810 with aspartic acid.
Molecular consequence: missense variant.
Genome position (GRCh38, 1-based): chr18:58,537,758, C>T on the plus strand (G>A on the coding strand, the complement: ALPK2 is on the minus strand). VCF-style: chr18-58537758-C-T. GRCh37 (hg19) VCF-style: chr18-56204990-C-T.
Other names: short protein forms G810D.
Identifiers: ClinVar variation 1791124 (VCV001791124.2), dbSNP rs2518877674, ClinGen allele CA402570657.

ClinVar aggregate classification (germline): Uncertain significance (1 of 4 stars; one submission).

Allele frequency attached by ClinVar (database versions not stated): gnomAD exomes below 0.00001.
gnomAD v4.1: 1 of 1,614,136 alleles (0.000062%); highest among the groups gnomAD compares: Non-Finnish European, 0.000085%; no homozygotes.

Submission:

Ambry Genetics
Classification: Uncertain significance. Last evaluated: 2021-10-30. Review status: criteria provided, single submitter. Criteria: Ambry Variant Classification Scheme 2023. Collection method: clinical testing. Allele origin: germline.
Comment: The p.G810D variant (also known as c.2429G>A), located in coding exon 4 of the ALPK2 gene, results from a G to A substitution at nucleotide position 2429. The glycine at codon 810 is replaced by aspartic acid, an amino acid with similar properties. This amino acid position is conserved. In addition, this alteration is predicted to be tolerated by in silico analysis. Since supporting evidence is limited at this time, the clinical significance of this alteration remains unclear.